The following is an entry in ClinVar:

ClinVar aggregate classification (germline): Conflicting classifications of pathogenicity. Review status: criteria provided, conflicting classifications (1 of 4 stars). 3 submissions from 3 submitters: Uncertain significance (1); Likely benign (1). 1 of the submissions does not count toward it. Last evaluated 2025-12-11.

Conditions:
SPAG1-related disorder. Also called: SPAG1-related condition.
Primary ciliary dyskinesia 28. Also called: CILIARY DYSKINESIA, PRIMARY, 28, WITH OR WITHOUT SITUS INVERSUS. Identifiers: Orphanet 244, MedGen C3809706, MONDO:0014216, OMIM 615505.

Allele frequency attached by ClinVar (database versions not stated): TOPMed 0.00002; ESP Exome Variant Server 0.00008; ExAC 0.00030; gnomAD 0.00032.
gnomAD v4.1: 303 of 1,613,860 alleles (0.019%); highest among the groups gnomAD compares: South Asian, 0.018%; no homozygotes.

Submissions (3):

Labcorp Genetics (formerly Invitae), Labcorp
Classification: Likely benign for Primary ciliary dyskinesia 28. Last evaluated: 2025-12-11. Review status: criteria provided, single submitter. Criteria: Invitae Variant Classification Sherloc (09022015). Collection method: clinical testing. Allele origin: germline.

Blueprint Genetics
Classification: Uncertain significance. Last evaluated: 2024-11-21. Review status: criteria provided, single submitter. Criteria: ACMG Guidelines, 2015. Collection method: clinical testing. Allele origin: germline.

PreventionGenetics, part of Exact Sciences
Classification: Likely benign for SPAG1-related condition. Last evaluated: 2023-01-10. Review status: no assertion criteria provided. Collection method: clinical testing. Allele origin: germline. Not counted in ClinVar's aggregate classification.
Comment: This variant is classified as likely benign based on ACMG/AMP sequence variant interpretation guidelines (Richards et al. 2015 PMID: 25741868, with internal and published modifications).

NM_003114.5(SPAG1):c.1747A>G (p.Ile583Val)

Gene: SPAG1 (sperm associated antigen 1; plus strand). Cytogenetic location: 8q22.2.
Variant type: single nucleotide variant.
Coding change: c.1747A>G on transcript NM_003114.5 (MANE Select); coding-DNA position 1747, A replaced by G.
Protein change: p.Ile583Val; replaces isoleucine 583 with valine.
Molecular consequence: missense variant.
Genome position (GRCh38, 1-based): chr8:100,225,231, A>G. VCF-style: chr8-100225231-A-G. GRCh37 (hg19) VCF-style: chr8-101237459-A-G.
Other names: c.1747A>G, p.Ile583Val (NM_001374321.1, NM_172218.3); short protein forms I583V.
Identifiers: ClinVar variation 3034335 (VCV003034335.4), dbSNP rs201568989, ClinGen allele CA4827585.